The following is an entry in ClinVar:

NM_000023.4(SGCA):c.1067C>G (p.Pro356Arg)

Gene: SGCA (sarcoglycan alpha; plus strand). Cytogenetic location: 17q21.33.
Variant type: single nucleotide variant.
Coding change: c.1067C>G on transcript NM_000023.4 (MANE Select); coding-DNA position 1067, C replaced by G.
Protein change: p.Pro356Arg; replaces proline 356 with arginine.
Molecular consequence: missense variant. On other transcripts: non-coding transcript variant (1).
Genome position (GRCh38, 1-based): chr17:50,175,340, C>G. VCF-style: chr17-50175340-C-G. GRCh37 (hg19) VCF-style: chr17-48252701-C-G.
Other names: c.695C>G, p.Pro232Arg (NM_001135697.3); short protein forms P232R, P356R.
Identifiers: ClinVar variation 1991027 (VCV001991027.1), dbSNP rs141892209, ClinGen allele CA8644079.

ClinVar aggregate classification (germline): Uncertain significance (1 of 4 stars; one submission).

Conditions:
Autosomal recessive limb-girdle muscular dystrophy type 2D (LGMDR3). Also called: ADHALINOPATHY, PRIMARY; DUCHENNE-LIKE AUTOSOMAL RECESSIVE MUSCULAR DYSTROPHY, TYPE 2; MUSCULAR DYSTROPHY, LIMB-GIRDLE, AUTOSOMAL RECESSIVE 3. Identifiers: Orphanet 62, MedGen C2936332, MONDO:0011968, OMIM 608099. Disease mechanism: Affects gamma-sarcoglycan and also disrupts the integrity of the entire sarcoglycan complex..

Allele frequency attached by ClinVar (database versions not stated): ESP Exome Variant Server 0.00008; ExAC 0.00010; gnomAD 0.00014; TOPMed 0.00014; 1000 Genomes Project 30x 0.00047; 1000 Genomes Project 0.00060.
gnomAD v4.1: 37 of 1,611,910 alleles (0.0023%); highest among the groups gnomAD compares: African/African-American, 0.041%; no homozygotes.

Submission:

Labcorp Genetics (formerly Invitae), Labcorp
Classification: Uncertain significance for Autosomal recessive limb-girdle muscular dystrophy type 2D. Last evaluated: 2022-08-16. Review status: criteria provided, single submitter. Criteria: Invitae Variant Classification Sherloc (09022015). Collection method: clinical testing. Allele origin: germline.
Comment: This sequence change replaces proline, which is neutral and non-polar, with arginine, which is basic and polar, at codon 356 of the SGCA protein (p.Pro356Arg). This variant is present in population databases (rs141892209, gnomAD 0.08%). This variant has not been reported in the literature in individuals affected with SGCA-related conditions. Advanced modeling of protein sequence and biophysical properties (such as structural, functional, and spatial information, amino acid conservation, physicochemical variation, residue mobility, and thermodynamic stability) performed at Invitae indicates that this missense variant is expected to disrupt SGCA protein function. In summary, the available evidence is currently insufficient to determine the role of this variant in disease. Therefore, it has been classified as a Variant of Uncertain Significance.